The following is an entry in ClinVar:

ClinVar aggregate classification (germline): Pathogenic (1 of 4 stars; one submission).

Conditions:
Niemann-Pick disease, type C2 (NPC2). Identifiers: Orphanet 646, MedGen C1843366, MONDO:0011873, OMIM 607625.

Submission:

Labcorp Genetics (formerly Invitae), Labcorp
Classification: Pathogenic for Niemann-Pick disease, type C2. Last evaluated: 2019-04-19. Review status: criteria provided, single submitter. Criteria: Invitae Variant Classification Sherloc (09022015). Collection method: clinical testing. Allele origin: germline.
Comment: For these reasons, this variant has been classified as Pathogenic. Loss-of-function variants in NPC2 are known to be pathogenic (PMID: 25145893). This variant has not been reported in the literature in individuals with NPC2-related conditions. A gross deletion of the genomic region encompassing the full coding sequence of the NPC2 gene has been identified. The boundaries of this event are unknown as the deletion extends beyond the assayed region for this gene and therefore may encompass additional genes.

Literature cited by the submitters: PubMed 25145893.

NC_000014.9:g.(?_74480264)_(74493284_?)del

Gene: NPC2 (NPC intracellular cholesterol transporter 2; minus strand). Cytogenetic location: 14q24.3.
Variant type: Deletion.
Identifiers: ClinVar variation 831251 (VCV000831251.5).